The following is an entry in ClinVar:

ClinVar aggregate classification (germline): Likely benign. Review status: criteria provided, multiple submitters, no conflicts (2 of 4 stars). 4 submissions from 4 submitters: Likely benign (4). Last evaluated 2025-11-12.

Conditions:
Cardiomyopathy (CMYO). Also called: Cardiomyopathies. Identifiers: Orphanet 167848, MedGen C0878544, MONDO:0004994, HP:0001638. Inheritance: Various modes of inheritance.
Arrhythmogenic right ventricular cardiomyopathy (ARVD). Also called: Arrhythmogenic cardiomyopathy; Cardiomyopathy, ARVC; Arrhythmogenic right ventricular dysplasia; Arrhythmogenic Right Ventricular Cardiomyopathy (ARVC). Identifiers: Orphanet 247, MedGen C0349788, MeSH D019571, MONDO:0016587. Disease mechanism: loss of function. Inheritance: Various modes of inheritance.
Cardiovascular phenotype. Identifiers: MedGen CN230736.
Arrhythmogenic right ventricular dysplasia 10. Also called: Arrhythmogenic Right Ventricular Dysplasia/Cardiomyopathy10; ARRHYTHMOGENIC RIGHT VENTRICULAR DYSPLASIA, FAMILIAL, 10; Arrhythmogenic right ventricular dysplasia/cardiomyopathy, type 10. Identifiers: MedGen C1857777, MONDO:0012434, OMIM 610193.

Allele frequency attached by ClinVar (database versions not stated): gnomAD exomes below 0.00001 and 0.00001; gnomAD 0.00001; TOPMed 0.00001.
gnomAD v4.1: 21 of 1,614,090 alleles (0.0013%); highest among the groups gnomAD compares: Non-Finnish European, 0.0017%; no homozygotes.

Submissions (4):

Labcorp Genetics (formerly Invitae), Labcorp
Classification: Likely benign for Arrhythmogenic right ventricular dysplasia 10. Last evaluated: 2025-11-12. Review status: criteria provided, single submitter. Criteria: Invitae Variant Classification Sherloc (09022015). Collection method: clinical testing. Allele origin: germline.

All of Us Research Program, National Institutes of Health
Classification: Likely benign for Arrhythmogenic right ventricular cardiomyopathy. Last evaluated: 2023-06-26. Review status: criteria provided, single submitter. Criteria: ACMG Guidelines, 2015. Collection method: clinical testing. Allele origin: germline. Inheritance: Autosomal dominant inheritance. Observed: 1 variant allele, 1 heterozygote.
Comment: This study involves interpretation of variants in research participants for the purpose of population health screening. Participant phenotype was not available at the time of variant classification. Additional details can be found in publication PMID: 35346344, PMCID: PMC8962531

Ambry Genetics
Classification: Likely benign for Cardiovascular phenotype. Last evaluated: 2020-09-18. Review status: criteria provided, single submitter. Criteria: Ambry Variant Classification Scheme 2023. Collection method: clinical testing. Allele origin: germline.

Color Diagnostics, LLC DBA Color Health
Classification: Likely benign for Cardiomyopathy. Last evaluated: 2019-04-26. Review status: criteria provided, single submitter. Criteria: ACMG Guidelines, 2015. Collection method: clinical testing. Allele origin: germline.

NM_001943.5(DSG2):c.996A>G (p.Gly332=)

Gene: DSG2 (desmoglein 2; plus strand). Cytogenetic location: 18q12.1.
Variant type: single nucleotide variant.
Coding change: c.996A>G on transcript NM_001943.5 (MANE Select); coding-DNA position 996, A replaced by G.
Protein change: p.Gly332=; no amino-acid change (glycine 332 retained).
Molecular consequence: synonymous variant.
Genome position (GRCh38, 1-based): chr18:31,524,870, A>G. VCF-style: chr18-31524870-A-G. GRCh37 (hg19) VCF-style: chr18-29104833-A-G.
Other names: c.996A>G (NM_001943.3).
Identifiers: ClinVar variation 926736 (VCV000926736.8), dbSNP rs1568106929, ClinGen allele CA503599331.